The following is an entry in ClinVar:

ClinVar aggregate classification (germline): Uncertain significance (1 of 4 stars; one submission).

Submission:

Ambry Genetics
Classification: Uncertain significance. Last evaluated: 2025-09-01. Review status: criteria provided, single submitter. Criteria: Ambry Variant Classification Scheme 2023. Collection method: clinical testing. Allele origin: germline.
Comment: The p.V247M variant (also known as c.739G>A), located in coding exon 7 of the KIF1B gene, results from a G to A substitution at nucleotide position 739. The valine at codon 247 is replaced by methionine, an amino acid with highly similar properties. This amino acid position is conserved. In addition, this alteration is predicted to be deleterious by in silico analysis. Based on the available evidence, the clinical significance of this variant remains unclear.

NM_001365951.3(KIF1B):c.739G>A (p.Val247Met)

Gene: KIF1B (kinesin family member 1B; plus strand). Cytogenetic location: 1p36.22.
Variant type: single nucleotide variant.
Coding change: c.739G>A on transcript NM_001365951.3 (MANE Select); coding-DNA position 739, G replaced by A.
Protein change: p.Val247Met; replaces valine 247 with methionine.
Molecular consequence: missense variant.
Genome position (GRCh38, 1-based): chr1:10,271,520, G>A. VCF-style: chr1-10271520-G-A. GRCh37 (hg19) VCF-style: chr1-10331578-G-A.
Other names: c.739G>A, p.Val247Met (NM_001365952.1, NM_001365953.1, NM_015074.3 and 1 more transcripts); short protein forms V247M.
Identifiers: ClinVar variation 4092397 (VCV004092397.1).
Genomic context (GRCh38, chr1:10,271,520, plus strand): 5'-TGCTTATTTTTGAATTGCCCCCATGTTATTGTTCTTTATCAGGTCAGTAAAATCAGCTTG[G>A]TGGATCTAGCAGGAAGTGAACGAGCTGATTCAACTGGTGCCAAAGGGACTCGATTAAAGG-3'
Protein context (NP_001352880.1, residues 237-257): STEKVSKISL[Val247Met]DLAGSERADS